The following is an entry in ClinVar:

ClinVar aggregate classification (germline): Uncertain significance (1 of 4 stars; one submission).

Submission:

Labcorp Genetics (formerly Invitae), Labcorp
Classification: Uncertain significance. Last evaluated: 2020-10-14. Review status: criteria provided, single submitter. Criteria: Invitae Variant Classification Sherloc (09022015). Collection method: clinical testing. Allele origin: germline.
Comment: This sequence change affects the initiator methionine of the HHAT mRNA. The next in-frame methionine is located at codon 64. This variant is not present in population databases (ExAC no frequency). Disruption of the initiator codon has been observed in individual(s) with clinical features of HHAT-related conditions (PMID: 29565416, Invitae). In summary, the available evidence is currently insufficient to determine the role of this variant in disease. Therefore, it has been classified as a Variant of Uncertain Significance.

Literature cited by the submitters: PubMed 29565416.

NM_018194.6(HHAT):c.3G>A (p.Met1Ile)

Gene: HHAT (hedgehog acyltransferase; plus strand). Cytogenetic location: 1q32.2.
Variant type: single nucleotide variant.
Coding change: c.3G>A on transcript NM_018194.6 (MANE Select); coding-DNA position 3, G replaced by A.
Protein change: p.Met1Ile; changes the start codon (methionine 1).
Molecular consequence: missense variant, initiator codon variant. On other transcripts: intron variant (1).
Genome position (GRCh38, 1-based): chr1:210,348,978, G>A. VCF-style: chr1-210348978-G-A. GRCh37 (hg19) VCF-style: chr1-210522322-G-A.
Other names: c.3G>A, p.Met1Ile (NM_001122834.4, NM_001170564.3, NM_001170580.3 and 1 more transcripts); c.95-13874G>A (NM_001170587.3); short protein forms M1I.
Identifiers: ClinVar variation 1055706 (VCV001055706.10), dbSNP rs2086774283, ClinGen allele CA344867434.